The following is an entry in ClinVar:

NM_006852.6(TLK2):c.1720+2dup

Gene: TLK2 (tousled like kinase 2; plus strand). Cytogenetic location: 17q23.2.
Variant type: Duplication.
Coding change: c.1720+2dup on transcript NM_006852.6 (MANE Select); the canonical splice donor site of the intron after coding-DNA position 1720, one base duplicated (T; older notation c.1720+2dupT).
Molecular consequence: splice donor variant.
Genome position (GRCh38, 1-based): chr17:62,600,822, T duplicated. VCF-style (leftmost placement, unchanged base first): chr17-62600821-G-GT. GRCh37 (hg19) VCF-style: chr17-60678182-G-GT.
Other names: c.1720+2dup (NM_001375271.1, NM_001375270.1); c.1273+2dup (NM_001375273.1, NM_001330418.3); c.1624+2dup (NM_001375272.1, NM_001284363.1); c.1786+2dup (NM_001284333.3); c.1762+2dup (NM_001375269.1).
Identifiers: ClinVar variation 1711907 (VCV001711907.3), dbSNP rs2546015387, ClinGen allele CA2580094538.

ClinVar aggregate classification (germline): Uncertain significance (1 of 4 stars; one submission).

Submission:

GeneDx
Classification: Uncertain significance. Last evaluated: 2026-02-12. Review status: criteria provided, single submitter. Criteria: GeneDx Variant Classification Process June 2021. Collection method: clinical testing. Allele origin: germline. Affected: yes.
Comment: Not observed at significant frequency in large population cohorts (gnomAD); In silico analysis supports a deleterious effect on splicing; Has not been previously published as pathogenic or benign to our knowledge